The following is an entry in ClinVar:

ClinVar aggregate classification (germline): Uncertain significance (1 of 4 stars; one submission).

Conditions:
Familial thoracic aortic aneurysm and aortic dissection (TAAD). Also called: Thoracic aortic aneurysms and dissections. Identifiers: Orphanet 91387, MedGen C4707243, MONDO:0019625.

Allele frequency attached by ClinVar (database versions not stated): TOPMed below 0.00001; gnomAD exomes 0.00001.
gnomAD v4.1: 2 of 1,551,286 alleles (0.00013%); highest among the groups gnomAD compares: East Asian, 0.0024%; no homozygotes.

Submission:

Color Diagnostics, LLC DBA Color Health
Classification: Uncertain significance for Familial thoracic aortic aneurysm and aortic dissection. Last evaluated: 2024-03-06. Review status: criteria provided, single submitter. Criteria: ACMG Guidelines, 2015. Collection method: clinical testing. Allele origin: germline.
Comment: This missense variant replaces proline with serine at codon 844 of the COL3A1 protein. Computational prediction is inconclusive regarding the impact of this variant on protein structure and function (internally defined REVEL score threshold 0.5 < inconclusive < 0.7, PMID: 27666373). To our knowledge, functional studies have not been reported for this variant. This variant has not been reported in individuals affected with cardiovascular disorders in the literature. This variant has been identified in 1/156412 chromosomes in the general population by the Genome Aggregation Database (gnomAD). The available evidence is insufficient to determine the role of this variant in disease conclusively. Therefore, this variant is classified as a Variant of Uncertain Significance.

NM_000090.4(COL3A1):c.2530C>T (p.Pro844Ser)

Gene: COL3A1 (collagen type III alpha 1 chain; plus strand). Cytogenetic location: 2q32.2.
Variant type: single nucleotide variant.
Coding change: c.2530C>T on transcript NM_000090.4 (MANE Select); coding-DNA position 2530, C replaced by T.
Protein change: p.Pro844Ser; replaces proline 844 with serine.
Molecular consequence: missense variant.
Genome position (GRCh38, 1-based): chr2:189,003,039, C>T. VCF-style: chr2-189003039-C-T. GRCh37 (hg19) VCF-style: chr2-189867765-C-T.
Other names: short protein forms P844S.
Identifiers: ClinVar variation 919041 (VCV000919041.4), dbSNP rs780490668, ClinGen allele CA349842868.
Genomic context (GRCh38, chr2:189,003,039, plus strand): 5'-AAAGGAGAAAGAGGGGCTCCGGGTGAGAAAGGTGAAGGAGGCCCTCCTGGAGTTGCAGGA[C>T]CCCCTGGAGGTTCTGGACCTGCTGTAAGTTCCTTCCTCTTTCTCTGTCTATCTATCTATC-3'
Protein context (NP_000081.2, residues 834-854): GEGGPPGVAG[Pro844Ser]PGGSGPAGPP